The following is an entry in ClinVar:

NM_000089.4(COL1A2):c.771C>A (p.Phe257Leu)

Gene: COL1A2 (collagen type I alpha 2 chain; plus strand). Cytogenetic location: 7q21.3.
Variant type: single nucleotide variant.
Coding change: c.771C>A on transcript NM_000089.4 (MANE Select); coding-DNA position 771, C replaced by A.
Protein change: p.Phe257Leu; replaces phenylalanine 257 with leucine.
Molecular consequence: missense variant.
Genome position (GRCh38, 1-based): chr7:94,408,802, C>A. VCF-style: chr7-94408802-C-A. GRCh37 (hg19) VCF-style: chr7-94038114-C-A.
Other names: short protein forms F257L.
Identifiers: ClinVar variation 4976350 (VCV004976350.1).
Genomic context (GRCh38, chr7:94,408,802, plus strand): 5'-TTCTTACCACCTTCTGCTTTGATTTCAGGGTCCCATTGGGTCTGCTGGCCCTCCAGGCTT[C>A]CCAGGTGCCCCTGGCCCCAAGGTAAAAACACTGGTGACCATTGTCACTACTTTGATAAAC-3'
Protein context (NP_000080.2, residues 247-267): GPIGSAGPPG[Phe257Leu]PGAPGPKGEI

ClinVar aggregate classification (germline): Uncertain significance (1 of 4 stars; one submission).

gnomAD v4.1: 2 of 1,612,688 alleles (0.00012%); highest among the groups gnomAD compares: Non-Finnish European, 0.00017%; no homozygotes.

Submission:

GeneDx
Classification: Uncertain significance. Last evaluated: 2026-02-10. Review status: criteria provided, single submitter. Criteria: GeneDx Variant Classification Process June 2021. Collection method: clinical testing. Allele origin: germline.
Comment: Not observed at significant frequency in large population cohorts (gnomAD); In silico analysis supports that this missense variant has a deleterious effect on protein structure/function; Has not been previously published as pathogenic or benign to our knowledge; Occurs in the triple helical domain at the X position in the canonical Gly-X-Y repeat; although this variant may have an effect on normal protein folding and function, missense substitution at the X position is not a common mechanism of disease (HGMD)